The following is an entry in ClinVar:

ClinVar aggregate classification (germline): Likely benign (1 of 4 stars; one submission).

Conditions:
PLXNA4-related disorder. Also called: PLXNA4-related condition.

gnomAD v4.1: 63 of 1,614,136 alleles (0.0039%); highest among the groups gnomAD compares: South Asian, 0.045%; no homozygotes.

Submission:

PreventionGenetics, part of Exact Sciences
Classification: Likely benign for PLXNA4-related condition. Last evaluated: 2024-10-13. Review status: criteria provided, single submitter. Criteria: ACMG Guidelines, 2015. Collection method: clinical testing. Allele origin: germline.
Comment: This variant is classified as likely benign based on ACMG/AMP sequence variant interpretation guidelines (Richards et al. 2015 PMID: 25741868, with internal and published modifications).

NM_020911.2(PLXNA4):c.1434C>T (p.Pro478=)

Gene: PLXNA4 (plexin A4; minus strand). Cytogenetic location: 7q32.3.
Variant type: single nucleotide variant.
Coding change: c.1434C>T on transcript NM_020911.2 (MANE Select); coding-DNA position 1434, C replaced by T.
Protein change: p.Pro478=; no amino-acid change (proline 478 retained).
Molecular consequence: synonymous variant.
Genome position (GRCh38, 1-based): chr7:132,298,160, G>A on the plus strand (C>T on the coding strand, the complement: PLXNA4 is on the minus strand). VCF-style: chr7-132298160-G-A. GRCh37 (hg19) VCF-style: chr7-131982919-G-A.
Other names: c.1434C>T, p.Pro478= (NM_001393897.1).
Identifiers: ClinVar variation 4986986 (VCV004986986.1).
Genomic context (GRCh38, chr7:132,298,160, plus strand): 5'-TGACATGATGTAGAGTTGCTCGTGGTCCTTGGAGAAGGCCATATCCCGGAGGACTGGGCC[G>A]GGGTCCACCACCTGCACCGTCTCATACTGGAGGGCGTTGCCCCTGGGTCCATCCACCCGG-3'
Protein context (NP_065962.1, residues 468-488): LQYETVQVVD[Pro478=]GPVLRDMAFS